The following is an entry in ClinVar:

ClinVar aggregate classification (germline): Conflicting classifications of pathogenicity. Review status: criteria provided, conflicting classifications (1 of 4 stars). 5 submissions from 5 submitters: Pathogenic (1); Uncertain significance (2); Likely benign (1). 1 of the submissions does not count toward it. Last evaluated 2026-09-01.

Conditions:
TUBB2B-related cortical malformation.

Allele frequency attached by ClinVar (database versions not stated): ExAC 0.19602.

Submissions (5):

CeGaT Center for Human Genetics Tuebingen
Classification: Likely benign. Last evaluated: 2026-09-01. Review status: criteria provided, single submitter. Criteria: CeGaT Center For Human Genetics Tuebingen Variant Classification Criteria Version 2. Collection method: clinical testing. Allele origin: germline. Affected: yes. Observed: 16 variant alleles.
Comment: TUBB2B: PM5, PP2, BS1

Labcorp Genetics (formerly Invitae), Labcorp
Classification: Uncertain significance. Last evaluated: 2024-11-07. Review status: criteria provided, single submitter. Criteria: Invitae Variant Classification Sherloc (09022015). Collection method: clinical testing. Allele origin: germline.
Comment: This sequence change replaces alanine, which is neutral and non-polar, with valine, which is neutral and non-polar, at codon 248 of the TUBB2B protein (p.Ala248Val). The frequency data for this variant in the population databases is considered unreliable, as metrics indicate poor data quality at this position in the gnomAD database. This missense change has been observed in individual(s) with cortical malformations (PMID: 23495813). ClinVar contains an entry for this variant (Variation ID: 381699). Invitae Evidence Modeling of protein sequence and biophysical properties (such as structural, functional, and spatial information, amino acid conservation, physicochemical variation, residue mobility, and thermodynamic stability) has been performed for this missense variant. However, the output from this modeling did not meet the statistical confidence thresholds required to predict the impact of this variant on TUBB2B protein function. In summary, the available evidence is currently insufficient to determine the role of this variant in disease. Therefore, it has been classified as a Variant of Uncertain Significance.

GeneDx
Classification: Pathogenic. Last evaluated: 2022-01-13. Review status: criteria provided, single submitter. Criteria: GeneDx Variant Classification Process June 2021. Collection method: clinical testing. Allele origin: germline. Affected: yes.
Comment: Published functional studies demonstrate a damaging effect (Sferra A et al., 2018); Missense variants in this gene are often considered pathogenic (HGMD); This variant is associated with the following publications: (PMID: 26934450, 27884173, 32571897, 27760515, 24860126, 23495813, 28412269, 33547136, 32203252, 31589614, 29547997)

Dubai Health Genomic Medicine Center, Dubai Health
Classification: Uncertain significance. Last evaluated: 2020-01-24. Review status: criteria provided, single submitter. Criteria: ACMG Guidelines, 2015. Collection method: clinical testing. Allele origin: germline. Affected: yes.

Hong-Tao Li Lab, Institute of Brain Science and Brain-inspired Research, Shandong First Medical University & Shandong Academy of Medical Sciences China
Classification: Uncertain significance for TUBB2B-related cortical malformation. Last evaluated: 2026-06-28. Review status: no assertion criteria provided. Collection method: research. Allele origin: germline. Inheritance: Autosomal dominant inheritance. Affected: yes. Observed: 1 variant allele, 1 heterozygote. Not counted in ClinVar's aggregate classification.

Literature cited by the submitters: PubMed 23495813 (cited by Labcorp Genetics (formerly Invitae), Labcorp).

NM_178012.5(TUBB2B):c.743C>T (p.Ala248Val)

Gene: TUBB2B (tubulin beta 2B class IIb; minus strand). Cytogenetic location: 6p25.2.
Variant type: single nucleotide variant.
Coding change: c.743C>T on transcript NM_178012.5 (MANE Select); coding-DNA position 743, C replaced by T.
Protein change: p.Ala248Val; replaces alanine 248 with valine.
Molecular consequence: missense variant.
Genome position (GRCh38, 1-based): chr6:3,225,346, G>A on the plus strand (C>T on the coding strand, the complement: TUBB2B is on the minus strand). VCF-style: chr6-3225346-G-A. GRCh37 (hg19) VCF-style: chr6-3225580-G-A.
Other names: short protein forms A248V.
Identifiers: ClinVar variation 381699 (VCV000381699.27), dbSNP rs777598117, ClinGen allele CA3619179.